The following is an entry in ClinVar:

ClinVar aggregate classification (germline): Uncertain significance (1 of 4 stars; one submission).

gnomAD v4.1: 12 of 1,614,050 alleles (0.00074%); highest among the groups gnomAD compares: Non-Finnish European, 0.00093%; no homozygotes.

Submission:

Labcorp Genetics (formerly Invitae), Labcorp
Classification: Uncertain significance. Last evaluated: 2024-03-24. Review status: criteria provided, single submitter. Criteria: Invitae Variant Classification Sherloc (09022015). Collection method: clinical testing. Allele origin: germline.
Comment: This sequence change replaces glycine, which is neutral and non-polar, with serine, which is neutral and polar, at codon 880 of the ZNF335 protein (p.Gly880Ser). This variant is present in population databases (rs770940456, gnomAD 0.004%). This variant has not been reported in the literature in individuals affected with ZNF335-related conditions. Advanced modeling of protein sequence and biophysical properties (such as structural, functional, and spatial information, amino acid conservation, physicochemical variation, residue mobility, and thermodynamic stability) performed at Invitae indicates that this missense variant is not expected to disrupt ZNF335 protein function with a negative predictive value of 80%. In summary, the available evidence is currently insufficient to determine the role of this variant in disease. Therefore, it has been classified as a Variant of Uncertain Significance.

NM_022095.4(ZNF335):c.2638G>A (p.Gly880Ser)

Gene: ZNF335 (zinc finger protein 335; minus strand). Cytogenetic location: 20q13.12.
Variant type: single nucleotide variant.
Coding change: c.2638G>A on transcript NM_022095.4 (MANE Select); coding-DNA position 2638, G replaced by A.
Protein change: p.Gly880Ser; replaces glycine 880 with serine.
Molecular consequence: missense variant.
Genome position (GRCh38, 1-based): chr20:45,953,753, C>T on the plus strand (G>A on the coding strand, the complement: ZNF335 is on the minus strand). VCF-style: chr20-45953753-C-T. GRCh37 (hg19) VCF-style: chr20-44582392-C-T.
Other names: short protein forms G880S.
Identifiers: ClinVar variation 3636255 (VCV003636255.2).
Genomic context (GRCh38, chr20:45,953,753, plus strand): 5'-AAGGTGTGCCAGGAGCTGATGTTCCCTCCTCCATAGGGGGTGCTGTGATGACACTGTAGC[C>T]AGTCCCACCAAATGGACCAGGTGCCAGGGTGATCTGCGGTAGGTCAGGAGGGCCTAGCTG-3'
Protein context (NP_071378.1, residues 870-890): TLAPGPFGGT[Gly880Ser]YSVITAPPME